The following is an entry in ClinVar:

ClinVar aggregate classification (germline): Uncertain significance. Review status: criteria provided, multiple submitters, no conflicts (2 of 4 stars). 3 submissions from 3 submitters: Uncertain significance (2). 1 of the submissions does not count toward it. Last evaluated 2021-09-01.

Conditions:
Argininosuccinate lyase deficiency. Also called: Argininosuccinic aciduria; ARGININOSUCCINIC ACID LYASE DEFICIENCY; ASL DEFICIENCY. Identifiers: Orphanet 23, MedGen C0268547, MONDO:0008815, OMIM 207900, HP:0025630.

Allele frequency attached by ClinVar (database versions not stated): TOPMed 0.00002; gnomAD 0.00003.
gnomAD v4.1: 36 of 1,612,496 alleles (0.0022%); highest among the groups gnomAD compares: Admixed American, 0.012%; no homozygotes.

Submissions (3):

Labcorp Genetics (formerly Invitae), Labcorp
Classification: Uncertain significance for Argininosuccinate lyase deficiency. Last evaluated: 2021-09-01. Review status: criteria provided, single submitter. Criteria: Invitae Variant Classification Sherloc (09022015). Collection method: clinical testing. Allele origin: germline.
Comment: This sequence change replaces aspartic acid with asparagine at codon 449 of the ASL protein (p.Asp449Asn). The aspartic acid residue is weakly conserved and there is a small physicochemical difference between aspartic acid and asparagine. This variant is present in population databases (rs781031440, ExAC 0.01%). This variant has not been reported in the literature in individuals affected with ASL-related conditions. ClinVar contains an entry for this variant (Variation ID: 377191). Algorithms developed to predict the effect of missense changes on protein structure and function (SIFT, PolyPhen-2, Align-GVGD) all suggest that this variant is likely to be tolerated. In summary, the available evidence is currently insufficient to determine the role of this variant in disease. Therefore, it has been classified as a Variant of Uncertain Significance.

Center for Pediatric Genomic Medicine, Children's Mercy Hospital and Clinics
Classification: Uncertain significance. Last evaluated: 2016-10-25. Review status: criteria provided, single submitter. Criteria: ACMG Guidelines, 2015. Collection method: clinical testing. Allele origin: germline.
ClinVar note: Converted during submission from Uncertain Significance to Uncertain significance.

Natera, Inc.
Classification: Uncertain significance for Argininosuccinate lyase deficiency. Last evaluated: 2019-10-28. Review status: no assertion criteria provided. Collection method: clinical testing. Allele origin: germline. Not counted in ClinVar's aggregate classification.

NM_000048.4(ASL):c.1345G>A (p.Asp449Asn)

Gene: ASL (argininosuccinate lyase; plus strand). Cytogenetic location: 7q11.21.
Variant type: single nucleotide variant.
Coding change: c.1345G>A on transcript NM_000048.4 (MANE Select); coding-DNA position 1345, G replaced by A.
Protein change: p.Asp449Asn; replaces aspartic acid 449 with asparagine.
Molecular consequence: missense variant.
Genome position (GRCh38, 1-based): chr7:66,092,862, G>A. VCF-style: chr7-66092862-G-A. GRCh37 (hg19) VCF-style: chr7-65557849-G-A.
Other names: c.1345G>A, p.Asp449Asn (NM_001024943.2); c.1285G>A, p.Asp429Asn (NM_001024944.2); c.1267G>A, p.Asp423Asn (NM_001024946.2); short protein forms D449N, D423N, D429N.
Identifiers: ClinVar variation 377191 (VCV000377191.6), dbSNP rs781031440, ClinGen allele CA4277395.